The following is an entry in ClinVar:

ClinVar aggregate classification (germline): Uncertain significance (1 of 4 stars; one submission).

Conditions:
Fabry disease. Also called: Fabry's disease; ALPHA-GALACTOSIDASE A DEFICIENCY; ANDERSON-FABRY DISEASE; CERAMIDE TRIHEXOSIDASE DEFICIENCY; GLA DEFICIENCY; HEREDITARY DYSTOPIC LIPIDOSIS. Identifiers: Orphanet 324, MedGen C0002986, MONDO:0010526, OMIM 301500, HP:0001071. Disease mechanism: Fabry disease is due to inactivating mutations in the X-linked GLA gene resulting in deficiency of the enzyme Alpha Galactosidase-A., loss of function.

Submission:

Labcorp Genetics (formerly Invitae), Labcorp
Classification: Uncertain significance for Fabry disease. Last evaluated: 2021-05-08. Review status: criteria provided, single submitter. Criteria: Invitae Variant Classification Sherloc (09022015). Collection method: clinical testing. Allele origin: germline.
Comment: This sequence change replaces leucine with isoleucine at codon 331 of the GLA protein (p.Leu331Ile). The leucine residue is moderately conserved and there is a small physicochemical difference between leucine and isoleucine. This variant is not present in population databases (ExAC no frequency). This variant has not been reported in the literature in individuals with GLA-related conditions. Algorithms developed to predict the effect of missense changes on protein structure and function (SIFT, PolyPhen-2, Align-GVGD) all suggest that this variant is likely to be tolerated, but these predictions have not been confirmed by published functional studies and their clinical significance is uncertain. In summary, the available evidence is currently insufficient to determine the role of this variant in disease. Therefore, it has been classified as a Variant of Uncertain Significance.

NM_000169.3(GLA):c.991C>A (p.Leu331Ile)

Genes: GLA (galactosidase alpha; minus strand), RPL36A-HNRNPH2 (RPL36A-HNRNPH2 readthrough; plus strand). Cytogenetic location: Xq22.1.
Variant type: single nucleotide variant.
Coding change: c.991C>A on transcript NM_000169.3 (MANE Select); coding-DNA position 991, C replaced by A.
Protein change: p.Leu331Ile; replaces leucine 331 with isoleucine.
Molecular consequence: missense variant. On other transcripts: non-coding transcript variant (3), intron variant (2).
Genome position (GRCh38, 1-based): chrX:101,398,378, G>T on the plus strand (C>A on the coding strand, the complement: GLA is on the minus strand). VCF-style: chrX-101398378-G-T. GRCh37 (hg19) VCF-style: chrX-100653366-G-T.
Other names: c.1114C>A, p.Leu372Ile (NM_001406747.1); c.991C>A, p.Leu331Ile (NM_001406748.1); c.300+2921G>T (NM_001199973.2); c.177+6556G>T (NM_001199974.2); short protein forms L331I, L372I.
Identifiers: ClinVar variation 1518534 (VCV001518534.8), dbSNP rs730880437, ClinGen allele CA413921287.